The following is an entry in ClinVar:

NM_003128.3(SPTBN1):c.1226C>T (p.Ala409Val)

Gene: SPTBN1 (spectrin beta, non-erythrocytic 1; plus strand). Cytogenetic location: 2p16.2.
Variant type: single nucleotide variant.
Coding change: c.1226C>T on transcript NM_003128.3 (MANE Select); coding-DNA position 1226, C replaced by T.
Protein change: p.Ala409Val; replaces alanine 409 with valine.
Molecular consequence: missense variant.
Genome position (GRCh38, 1-based): chr2:54,624,847, C>T. VCF-style: chr2-54624847-C-T. GRCh37 (hg19) VCF-style: chr2-54851984-C-T.
Other names: c.1187C>T, p.Ala396Val (NM_178313.3); short protein forms A396V, A409V.
Identifiers: ClinVar variation 1699174 (VCV001699174.4), dbSNP rs1678222579, ClinGen allele CA346869064.

ClinVar aggregate classification (germline): Likely benign (1 of 4 stars; one submission).

Conditions:
Developmental delay, impaired speech, and behavioral abnormalities. Identifiers: MedGen C5561957, MONDO:0859178, OMIM 619475.

Allele frequency attached by ClinVar (database versions not stated): gnomAD exomes below 0.00001; TOPMed below 0.00001; gnomAD 0.00001.
gnomAD v4.1: 2 of 1,614,062 alleles (0.00012%); highest among the groups gnomAD compares: East Asian, 0.0022%; no homozygotes.

Submission:

Victorian Clinical Genetics Services, Murdoch Childrens Research Institute
Classification: Likely benign for Developmental delay, impaired speech, and behavioral abnormalities. Last evaluated: 2023-07-16. Review status: criteria provided, single submitter. Criteria: ACMG Guidelines, 2015. Collection method: clinical testing. Allele origin: germline. Inheritance: Autosomal dominant inheritance. Affected: yes.
Comment: Based on the classification scheme VCGS_Germline_v1.3.4, this variant is classified as Likely benign. Following criteria are met: 0102 - Loss of function is a likely mechanism of disease in this gene and is associated with developmental delay, impaired speech, and behavioural abnormalities (MIM#619475) (PMIDs: 34211179, 33847457). (I) 0107 - This gene is associated with autosomal dominant disease. (I) 0200 - Variant is predicted to result in a missense amino acid change from alanine to valine. (I) 0251 - This variant is heterozygous. (I) 0302 - Variant is present in gnomAD (v3) <0.001 for a dominant condition (1 heterozygote, 0 homozygotes). (SP) 0502 - Missense variant with conflicting in silico predictions and very highly conserved with a minor amino acid change. (I) 0600 - Variant is located in the annotated Spectrin domain (DECIPHER). (I) 0705 - No comparable missense variants have previous evidence for pathogenicity. (I) 0807 - This variant has no previous evidence of pathogenicity. (I) 0904 - Non-segregation of this variant with the phenotype under investigation has been clearly demonstrated. (SB) 1007 - No published functional evidence has been identified for this variant. (I) Legend: (SP) - Supporting pathogenic, (I) - Information, (SB) - Supporting benign

Literature cited by the submitters: PubMed 33847457; PubMed 34211179.